The following is an entry in ClinVar:

ClinVar aggregate classification (germline): Uncertain significance (1 of 4 stars; one submission).

Allele frequency attached by ClinVar (database versions not stated): gnomAD exomes below 0.00001; TOPMed below 0.00001.

Submission:

Labcorp Genetics (formerly Invitae), Labcorp
Classification: Uncertain significance. Last evaluated: 2022-03-10. Review status: criteria provided, single submitter. Criteria: Invitae Variant Classification Sherloc (09022015). Collection method: clinical testing. Allele origin: germline.
Comment: This sequence change replaces proline, which is neutral and non-polar, with serine, which is neutral and polar, at codon 243 of the CNGB3 protein (p.Pro243Ser). This variant is present in population databases (no rsID available, gnomAD 0.0009%). This variant has not been reported in the literature in individuals affected with CNGB3-related conditions. Algorithms developed to predict the effect of missense changes on protein structure and function (SIFT, PolyPhen-2, Align-GVGD) all suggest that this variant is likely to be disruptive. In summary, the available evidence is currently insufficient to determine the role of this variant in disease. Therefore, it has been classified as a Variant of Uncertain Significance.

NM_019098.5(CNGB3):c.727C>T (p.Pro243Ser)

Gene: CNGB3 (cyclic nucleotide gated channel subunit beta 3; minus strand). Cytogenetic location: 8q21.3.
Variant type: single nucleotide variant.
Coding change: c.727C>T on transcript NM_019098.5 (MANE Select); coding-DNA position 727, C replaced by T.
Protein change: p.Pro243Ser; replaces proline 243 with serine.
Molecular consequence: missense variant.
Genome position (GRCh38, 1-based): chr8:86,667,050, G>A on the plus strand (C>T on the coding strand, the complement: CNGB3 is on the minus strand). VCF-style: chr8-86667050-G-A. GRCh37 (hg19) VCF-style: chr8-87679278-G-A.
Other names: short protein forms P243S.
Identifiers: ClinVar variation 1476108 (VCV001476108.5), dbSNP rs1386894445, ClinGen allele CA371449512.
Genomic context (GRCh38, chr8:86,667,050, plus strand): 5'-TGATATCACATATGATGTCCGCAATAAGCCAGTAGTGTATGTTGTCTGCGGTTTGATATG[G>A]GAAGACGAGGCGCAGTGGTATAAAACAGCAGTTCCAGTTATAGGCAAGAGTGACAAGCAA-3'
Protein context (NP_061971.3, residues 233-253): CCFIPLRLVF[Pro243Ser]YQTADNIHYW